The following is an entry in ClinVar:

ClinVar aggregate classification (germline): Conflicting classifications of pathogenicity. Review status: criteria provided, conflicting classifications (1 of 4 stars). 8 submissions from 8 submitters: Uncertain significance (7); Likely benign (1). Last evaluated 2025-09-04.

Conditions:
Hereditary cancer-predisposing syndrome. Also called: Neoplastic Syndromes, Hereditary; Hereditary Cancer Syndrome; Tumor predisposition; Hereditary neoplastic syndrome. Identifiers: Orphanet 140162, MedGen C0027672, MeSH D009386, MONDO:0015356.
Familial cancer of breast. Also called: Hereditary breast cancer; BREAST CANCER, FAMILIAL; hereditary breast carcinoma. Identifiers: Orphanet 227535, MedGen C0346153, MONDO:0016419, OMIM 114480. Disease mechanism: loss of function.
Ataxia-telangiectasia syndrome (AT). Also called: LOUIS-BAR SYNDROME; Cerebello-oculocutaneous telangiectasia; Immunodeficiency with ataxia telangiectasia; Ataxia-telangiectasia, complementation group D; AT, COMPLEMENTATION GROUP C; Ataxia-telangiectasia, complementation group E. Identifiers: Orphanet 100, MedGen C0004135, MONDO:0008840, OMIM 208900.

Allele frequency attached by ClinVar (database versions not stated): gnomAD exomes below 0.00001; TOPMed below 0.00001.
gnomAD v4.1: 1 of 1,597,228 alleles (0.000063%); highest among the groups gnomAD compares: Admixed American, 0.0017%; no homozygotes.

Submissions (8):

Women's Health and Genetics/Laboratory Corporation of America, LabCorp
Classification: Uncertain significance. Last evaluated: 2025-09-04. Review status: criteria provided, single submitter. Criteria: LabCorp Variant Classification Summary - May 2015. Collection method: clinical testing. Allele origin: germline.

Labcorp Genetics (formerly Invitae), Labcorp
Classification: Uncertain significance for Ataxia-telangiectasia syndrome. Last evaluated: 2025-06-10. Review status: criteria provided, single submitter. Criteria: Invitae Variant Classification Sherloc (09022015). Collection method: clinical testing. Allele origin: germline.
Comment: This sequence change replaces threonine, which is neutral and polar, with serine, which is neutral and polar, at codon 1984 of the ATM protein (p.Thr1984Ser). This variant is not present in population databases (gnomAD no frequency). This variant has not been reported in the literature in individuals affected with ATM-related conditions. ClinVar contains an entry for this variant (Variation ID: 407560). Invitae Evidence Modeling of protein sequence and biophysical properties (such as structural, functional, and spatial information, amino acid conservation, physicochemical variation, residue mobility, and thermodynamic stability) indicates that this missense variant is not expected to disrupt ATM protein function with a negative predictive value of 95%. In summary, the available evidence is currently insufficient to determine the role of this variant in disease. Therefore, it has been classified as a Variant of Uncertain Significance.

Molecular Diagnostics Laboratory, Catalan Institute of Oncology
Classification: Uncertain significance for Hereditary cancer-predisposing syndrome. Last evaluated: 2024-10-09. Review status: criteria provided, single submitter. Criteria: ClinGen ACMG Specifications ATM V1.1.0. Collection method: clinical testing. Allele origin: germline.
Comment: PM2_Supporting, BP4 c.5950A>T located in exon 40 of the ATM gene, is predicted to result in the substitution of threonine by serine at codon 1984, p.(Thr1984Ser). It is not present in the population database gnomAD v2.1.1, non cancer dataset (PM2_supporting). The SpliceAI algorithm predicts no significant impact on splicing and the REVEL meta-predictor score for this variant (0.063) suggests that it does not affect the protein function (BP4). In addition, the variant was also identified in the ClinVar (4x uncertain significance, 1x likely benign) and in LOVD database (1x not classified). Based on currently available information, the variant c.5950A>T is classified as an uncertain significance variant according to ClinGen-ATM Guidelines version v1.1.

Ambry Genetics
Classification: Likely benign for Hereditary cancer-predisposing syndrome. Last evaluated: 2024-03-28. Review status: criteria provided, single submitter. Criteria: Ambry Variant Classification Scheme 2023. Collection method: clinical testing. Allele origin: germline.

Baylor Genetics
Classification: Uncertain significance for Familial cancer of breast. Last evaluated: 2023-09-20. Review status: criteria provided, single submitter. Criteria: ACMG Guidelines, 2015. Collection method: clinical testing. Allele origin: unknown.

Color Diagnostics, LLC DBA Color Health
Classification: Uncertain significance for Hereditary cancer-predisposing syndrome. Last evaluated: 2022-01-04. Review status: criteria provided, single submitter. Criteria: ACMG Guidelines, 2015. Collection method: clinical testing. Allele origin: germline.
Comment: This variant alters three nucleotides in codons 1983 and 1984 of the ATM protein resulting in an amino acid change at codon 1984 from threonine to serine. To our knowledge, functional studies have not been reported for this variant. This variant has not been reported in individuals affected with hereditary cancer in the literature. This variant has not been identified in the general population by the Genome Aggregation Database (gnomAD). The available evidence is insufficient to determine the role of this variant in disease conclusively. Therefore, this variant is classified as a Variant of Uncertain Significance.

Blueprint Genetics
Classification: Uncertain significance. Last evaluated: 2021-12-10. Review status: criteria provided, single submitter. Criteria: ACMG Guidelines, 2015. Collection method: clinical testing. Allele origin: germline.

GeneDx
Classification: Uncertain significance. Last evaluated: 2020-02-14. Review status: criteria provided, single submitter. Criteria: GeneDx Variant Classification Process June 2021. Collection method: clinical testing. Allele origin: germline. Affected: yes.
Comment: Not observed in large population cohorts (Lek 2016); In silico analysis supports that this missense variant does not alter protein structure/function; Has not been previously published as pathogenic or benign to our knowledge

NM_000051.4(ATM):c.5950A>T (p.Thr1984Ser)

Genes: ATM (ATM serine/threonine kinase; plus strand), C11orf65 (chromosome 11 open reading frame 65; minus strand). Cytogenetic location: 11q22.3.
Variant type: single nucleotide variant.
Coding change: c.5950A>T on transcript NM_000051.4 (MANE Select); coding-DNA position 5950, A replaced by T.
Protein change: p.Thr1984Ser; replaces threonine 1984 with serine.
Molecular consequence: missense variant. On other transcripts: intron variant (2).
Genome position (GRCh38, 1-based): chr11:108,312,442, A>T. VCF-style: chr11-108312442-A-T. GRCh37 (hg19) VCF-style: chr11-108183169-A-T.
Other names: c.5948_5950delinsGTT (NM_000051.4); c.5950A>T, p.Thr1984Ser (NM_001351834.2); c.641-3371T>A (NM_001330368.2); c.*39-3371T>A (NM_001351110.2); short protein forms T1984S.
Identifiers: ClinVar variation 407560 (VCV000407560.23), dbSNP rs1060501603, ClinGen allele CA16613163.